The following is an entry in ClinVar:

NM_002180.3(IGHMBP2):c.661del (p.Thr221fs)

Gene: IGHMBP2 (immunoglobulin mu DNA binding protein 2; plus strand). Cytogenetic location: 11q13.3.
Variant type: Deletion.
Coding change: c.661del on transcript NM_002180.3 (MANE Select); coding-DNA position 661, one base deleted (A; older notation c.661delA).
Protein change: p.Thr221fs; shifts the reading frame from threonine 221.
Molecular consequence: frameshift variant.
Genome position (GRCh38, 1-based): chr11:68,911,553, A deleted; the last of 4 consecutive A bases (chr11:68,911,550-68,911,553); deleting any one gives the same sequence. VCF-style (leftmost placement, unchanged base first): chr11-68911549-GA-G. GRCh37 (hg19) VCF-style: chr11-68679017-GA-G.
Other names: c.661delA (NM_002180.2); short protein forms T221fs.
Identifiers: ClinVar variation 637465 (VCV000637465.4), dbSNP rs779716706, ClinGen allele CA6153354.

ClinVar aggregate classification (germline): Pathogenic. Review status: criteria provided, single submitter (1 of 4 stars). 2 submissions from 2 submitters: Pathogenic (1). 1 of the submissions does not count toward it. Last evaluated 2025-12-21.

Conditions:
Distal spinal muscular atrophy. Also called: Distal hereditary motor neuropathy; Distal hereditary motor neuronopathy. Identifiers: Orphanet 53739, MedGen C0393541, MONDO:0018894.
Charcot-Marie-Tooth disease axonal type 2S. Also called: CHARCOT-MARIE-TOOTH NEUROPATHY, TYPE 2S; CHARCOT-MARIE-TOOTH DISEASE, AXONAL, AUTOSOMAL RECESSIVE, TYPE 2S. Identifiers: Orphanet 443073, MedGen C4015349, MONDO:0014511, OMIM 616155.
Autosomal recessive distal spinal muscular atrophy 1. Also called: HMN VI; NEURONOPATHY, SEVERE INFANTILE AXONAL, WITH RESPIRATORY FAILURE; Spinal muscular atrophy with respiratory distress 1; NEURONOPATHY, DISTAL HEREDITARY MOTOR, HARDING TYPE VI; NEUROPATHY, DISTAL HEREDITARY MOTOR, AUTOSOMAL RECESSIVE 1; SEVERE INFANTILE AXONAL NEUROPATHY WITH RESPIRATORY FAILURE. Identifiers: Orphanet 98920, MedGen C1858517, MONDO:0011436, OMIM 604320.

Submissions (2):

Labcorp Genetics (formerly Invitae), Labcorp
Classification: Pathogenic for Autosomal recessive distal spinal muscular atrophy 1; Charcot-Marie-Tooth disease axonal type 2S. Last evaluated: 2025-12-21. Review status: criteria provided, single submitter. Criteria: Invitae Variant Classification Sherloc (09022015). Collection method: clinical testing. Allele origin: germline.
Comment: This sequence change creates a premature translational stop signal (p.Thr221Profs*12) in the IGHMBP2 gene. It is expected to result in an absent or disrupted protein product. Loss-of-function variants in IGHMBP2 are known to be pathogenic (PMID: 14681881, 25439726, 25568292). This variant is present in population databases (rs779716706, gnomAD 0.004%). This premature translational stop signal has been observed in individual(s) with IGHMBP2-related conditions (PMID: 14506069). ClinVar contains an entry for this variant (Variation ID: 637465). For these reasons, this variant has been classified as Pathogenic.

Inherited Neuropathy Consortium
Classification: Uncertain significance for Distal spinal muscular atrophy. Review status: no assertion criteria provided. Collection method: literature only. Allele origin: germline. Affected: yes. Not counted in ClinVar's aggregate classification.

Literature cited by the submitters: PubMed 14681881 (cited by Labcorp Genetics (formerly Invitae), Labcorp); PubMed 25439726 (cited by Labcorp Genetics (formerly Invitae), Labcorp); PubMed 25568292 (cited by Labcorp Genetics (formerly Invitae), Labcorp); PubMed 14506069 (cited by Labcorp Genetics (formerly Invitae), Labcorp); PubMed 17431882 (cited by Inherited Neuropathy Consortium).